The following is an entry in ClinVar:

NM_001408.3(CELSR2):c.1796C>G (p.Thr599Ser)

Gene: CELSR2 (cadherin EGF LAG seven-pass G-type receptor 2; plus strand). Cytogenetic location: 1p13.3.
Variant type: single nucleotide variant.
Coding change: c.1796C>G on transcript NM_001408.3 (MANE Select); coding-DNA position 1796, C replaced by G.
Protein change: p.Thr599Ser; replaces threonine 599 with serine.
Molecular consequence: missense variant.
Genome position (GRCh38, 1-based): chr1:109,251,875, C>G. VCF-style: chr1-109251875-C-G. GRCh37 (hg19) VCF-style: chr1-109794497-C-G.
Other names: short protein forms T599S.
Identifiers: ClinVar variation 1909798 (VCV001909798.5), dbSNP rs200542878, ClinGen allele CA986637.

ClinVar aggregate classification (germline): Uncertain significance (1 of 4 stars; one submission).

Allele frequency attached by ClinVar (database versions not stated): TOPMed below 0.00001; gnomAD 0.00001; ESP Exome Variant Server 0.00008; ExAC 0.00017.
gnomAD v4.1: 88 of 1,613,982 alleles (0.0055%); highest among the groups gnomAD compares: Middle Eastern, 0.016%; no homozygotes.

Submission:

Labcorp Genetics (formerly Invitae), Labcorp
Classification: Uncertain significance. Last evaluated: 2024-11-05. Review status: criteria provided, single submitter. Criteria: Invitae Variant Classification Sherloc (09022015). Collection method: clinical testing. Allele origin: germline.
Comment: This sequence change replaces threonine, which is neutral and polar, with serine, which is neutral and polar, at codon 599 of the CELSR2 protein (p.Thr599Ser). This variant is present in population databases (rs200542878, gnomAD 0.02%). This variant has not been reported in the literature in individuals affected with CELSR2-related conditions. ClinVar contains an entry for this variant (Variation ID: 1909798). Invitae Evidence Modeling of protein sequence and biophysical properties (such as structural, functional, and spatial information, amino acid conservation, physicochemical variation, residue mobility, and thermodynamic stability) has been performed for this missense variant. However, the output from this modeling did not meet the statistical confidence thresholds required to predict the impact of this variant on CELSR2 protein function. In summary, the available evidence is currently insufficient to determine the role of this variant in disease. Therefore, it has been classified as a Variant of Uncertain Significance.